The following is an entry in ClinVar:

NM_022168.4(IFIH1):c.3055del (p.Cys1019fs)

Gene: IFIH1 (interferon induced with helicase C domain 1; minus strand). Cytogenetic location: 2q24.2.
Variant type: Deletion.
Coding change: c.3055del on transcript NM_022168.4 (MANE Select); coding-DNA position 3055, one base deleted (T; older notation c.3055delT).
Protein change: p.Cys1019fs; shifts the reading frame from cysteine 1019.
Molecular consequence: frameshift variant.
Genome position (GRCh38, 1-based): chr2:162,267,223, A deleted on the plus strand (T on the coding strand, the reverse complement: IFIH1 is on the minus strand). VCF-style (leftmost placement, unchanged base first): chr2-162267222-CA-C. GRCh37 (hg19) VCF-style: chr2-163123732-CA-C.
Other names: short protein forms C1019fs.
Identifiers: ClinVar variation 836873 (VCV000836873.7), dbSNP rs1392296770, ClinGen allele CA537507435.

ClinVar aggregate classification (germline): Uncertain significance (1 of 4 stars; one submission).

Conditions:
Aicardi-Goutieres syndrome 7 (AGS7). Identifiers: Orphanet 51, MedGen C3888244, MONDO:0014367, OMIM 615846.
Singleton-Merten syndrome 1 (SGMRT1). Also called: Widened medullary cavities of bone, aortic calcification, abnormal dentition, and muscular weakness; Syndrome of widened medullary cavities of the metacarpals and phalanges, aortic calcification and abnormal dentition. Identifiers: Orphanet 85191, MedGen C4225427, MONDO:0024535, OMIM 182250.

Allele frequency attached by ClinVar (database versions not stated): gnomAD 0.00003; gnomAD exomes 0.00002; TOPMed 0.00002.

Submission:

Labcorp Genetics (formerly Invitae), Labcorp
Classification: Uncertain significance for Aicardi-Goutieres syndrome 7; Singleton-Merten syndrome 1. Last evaluated: 2025-11-05. Review status: criteria provided, single submitter. Criteria: Invitae Variant Classification Sherloc (09022015). Collection method: clinical testing. Allele origin: germline.
Comment: This sequence change is expected to alter the c-terminus of the IFIH1 protein (p.Cys1019Valfs*10). While this is not anticipated to result in nonsense mediated decay, it is expected to disrupt the last 7 amino acid(s) of the IFIH1 protein and extend the protein by 2 additional amino acid residues. This variant is present in population databases (no rsID available, gnomAD 0.007%). This variant has not been reported in the literature in individuals affected with IFIH1-related conditions. ClinVar contains an entry for this variant (Variation ID: 836873). In summary, the available evidence is currently insufficient to determine the role of this variant in disease. Therefore, it has been classified as a Variant of Uncertain Significance.